The following is an entry in ClinVar:

ClinVar aggregate classification (germline): Likely benign (1 of 4 stars; one submission).

Submission:

CeGaT Center for Human Genetics Tuebingen
Classification: Likely benign. Last evaluated: 2026-06-01. Review status: criteria provided, single submitter. Criteria: CeGaT Center For Human Genetics Tuebingen Variant Classification Criteria Version 2. Collection method: clinical testing. Allele origin: germline. Affected: yes. Observed: 1 variant allele.
Comment: KMT2D: PM2:Supporting, BP4, BP7

NM_003482.4(KMT2D):c.14463G>A (p.Glu4821=)

Gene: KMT2D (lysine methyltransferase 2D; minus strand). Cytogenetic location: 12q13.12.
Variant type: single nucleotide variant.
Coding change: c.14463G>A on transcript NM_003482.4 (MANE Select); coding-DNA position 14463, G replaced by A.
Protein change: p.Glu4821=; no amino-acid change (glutamic acid 4821 retained).
Molecular consequence: synonymous variant.
Genome position (GRCh38, 1-based): chr12:49,028,061, C>T on the plus strand (G>A on the coding strand, the complement: KMT2D is on the minus strand). VCF-style: chr12-49028061-C-T. GRCh37 (hg19) VCF-style: chr12-49421844-C-T.
Identifiers: ClinVar variation 4875150 (VCV004875150.2).